The following is an entry in ClinVar:

ClinVar aggregate classification (germline): Uncertain significance (1 of 4 stars; one submission).

Submission:

Labcorp Genetics (formerly Invitae), Labcorp
Classification: Uncertain significance. Last evaluated: 2024-04-27. Review status: criteria provided, single submitter. Criteria: Invitae Variant Classification Sherloc (09022015). Collection method: clinical testing. Allele origin: germline.
Comment: This sequence change replaces tyrosine, which is neutral and polar, with histidine, which is basic and polar, at codon 419 of the EMC1 protein (p.Tyr419His). This variant is not present in population databases (gnomAD no frequency). This variant has not been reported in the literature in individuals affected with EMC1-related conditions. Advanced modeling of protein sequence and biophysical properties (such as structural, functional, and spatial information, amino acid conservation, physicochemical variation, residue mobility, and thermodynamic stability) performed at Invitae indicates that this missense variant is expected to disrupt EMC1 protein function with a positive predictive value of 80%. In summary, the available evidence is currently insufficient to determine the role of this variant in disease. Therefore, it has been classified as a Variant of Uncertain Significance.

NM_015047.3(EMC1):c.1255T>C (p.Tyr419His)

Genes: EMC1 (ER membrane protein complex subunit 1; minus strand), EMC1-AS1 (EMC1 antisense RNA 1; plus strand). Cytogenetic location: 1p36.13.
Variant type: single nucleotide variant.
Coding change: c.1255T>C on transcript NM_015047.3 (MANE Select); coding-DNA position 1255, T replaced by C.
Protein change: p.Tyr419His; replaces tyrosine 419 with histidine.
Molecular consequence: missense variant.
Genome position (GRCh38, 1-based): chr1:19,237,196, A>G on the plus strand (T>C on the coding strand, the complement: EMC1 is on the minus strand). VCF-style: chr1-19237196-A-G. GRCh37 (hg19) VCF-style: chr1-19563690-A-G.
Other names: c.1252T>C, p.Tyr418His (NM_001271427.2, NM_001375821.1); c.1255T>C, p.Tyr419His (NM_001271428.2, NM_001375820.1); c.1189T>C, p.Tyr397His (NM_001271429.2); short protein forms Y397H, Y418H, Y419H.
Identifiers: ClinVar variation 3679132 (VCV003679132.2).
Genomic context (GRCh38, chr1:19,237,196, plus strand): 5'-ACTTACCCAACTGCTGCAGGAAAAGTAGCAGATGATCCTCTGTCTGCACCAAAGCCCGGT[A>G]GCCCACTGAGTCATCCTTCTTCAAGAACACCTGGATATACAGCTATAAGCCACAGTCAAG-3'
Protein context (NP_055862.1, residues 409-429): VFLKKDDSVG[Tyr419His]RALVQTEDHL